The following is an entry in ClinVar:

ClinVar aggregate classification (germline): Conflicting classifications of pathogenicity. Review status: criteria provided, conflicting classifications (1 of 4 stars). 2 submissions from 2 submitters: Uncertain significance (1); Likely benign (1). Last evaluated 2024-06-10.

Allele frequency attached by ClinVar (database versions not stated): gnomAD 0.00002; TOPMed 0.00002.
gnomAD v4.1: 34 of 1,613,640 alleles (0.0021%); highest among the groups gnomAD compares: African/African-American, 0.0027%; no homozygotes.

Submissions (2):

Ambry Genetics
Classification: Uncertain significance. Last evaluated: 2024-06-10. Review status: criteria provided, single submitter. Criteria: Ambry Variant Classification Scheme 2023. Collection method: clinical testing. Allele origin: germline.

CeGaT Center for Human Genetics Tuebingen
Classification: Likely benign. Last evaluated: 2022-06-01. Review status: criteria provided, single submitter. Criteria: CeGaT Center For Human Genetics Tuebingen Variant Classification Criteria Version 2. Collection method: clinical testing. Allele origin: germline. Affected: yes. Observed: 1 variant allele.
Comment: RRP1B: BP4

NM_015056.3(RRP1B):c.266C>T (p.Ala89Val)

Gene: RRP1B (ribosomal RNA processing 1B; plus strand). Cytogenetic location: 21q22.3.
Variant type: single nucleotide variant.
Coding change: c.266C>T on transcript NM_015056.3 (MANE Select); coding-DNA position 266, C replaced by T.
Protein change: p.Ala89Val; replaces alanine 89 with valine.
Molecular consequence: missense variant.
Genome position (GRCh38, 1-based): chr21:43,672,360, C>T. VCF-style: chr21-43672360-C-T. GRCh37 (hg19) VCF-style: chr21-45092241-C-T.
Other names: c.266C>T (NM_015056.2); short protein forms A89V.
Identifiers: ClinVar variation 2652723 (VCV002652723.25), dbSNP rs550211338, ClinGen allele CA10047650.